The following is an entry in ClinVar:

NM_020461.4(TUBGCP6):c.3551G>T (p.Arg1184Leu)

Gene: TUBGCP6 (tubulin gamma complex component 6; minus strand). Cytogenetic location: 22q13.33.
Variant type: single nucleotide variant.
Coding change: c.3551G>T on transcript NM_020461.4 (MANE Select); coding-DNA position 3551, G replaced by T.
Protein change: p.Arg1184Leu; replaces arginine 1184 with leucine.
Molecular consequence: missense variant.
Genome position (GRCh38, 1-based): chr22:50,220,808, C>A on the plus strand (G>T on the coding strand, the complement: TUBGCP6 is on the minus strand). VCF-style: chr22-50220808-C-A. GRCh37 (hg19) VCF-style: chr22-50659237-C-A.
Other names: short protein forms R1184L.
Identifiers: ClinVar variation 941951 (VCV000941951.9), dbSNP rs139409990, ClinGen allele CA412181817.
Genomic context (GRCh38, chr22:50,220,808, plus strand): 5'-TCTGACACAGACTCCCCCAAGCTGATGCTGGCATCAGACACGTGTCCATGGGTGTTCCAC[C>A]GTGGCCGGGCGGGAGCCATGTCTGACACAGACTCCCCCAAGCTGATGCTGGCATCGGACA-3'
Protein context (NP_065194.3, residues 1174-1194): SVSDMAPARP[Arg1184Leu]WNTHGHVSDA

ClinVar aggregate classification (germline): Uncertain significance (1 of 4 stars; one submission).

Submission:

Labcorp Genetics (formerly Invitae), Labcorp
Classification: Uncertain significance. Last evaluated: 2020-01-28. Review status: criteria provided, single submitter. Criteria: Invitae Variant Classification Sherloc (09022015). Collection method: clinical testing. Allele origin: germline.
Comment: In summary, the available evidence is currently insufficient to determine the role of this variant in disease. Therefore, it has been classified as a Variant of Uncertain Significance. Algorithms developed to predict the effect of missense changes on protein structure and function are either unavailable or do not agree on the potential impact of this missense change (SIFT: "Deleterious"; PolyPhen-2: "Probably Damaging"; Align-GVGD: "Class C0"). This variant has not been reported in the literature in individuals with TUBGCP6-related conditions. This variant is not present in population databases (ExAC no frequency). This sequence change replaces arginine with leucine at codon 1184 of the TUBGCP6 protein (p.Arg1184Leu). The arginine residue is weakly conserved and there is a moderate physicochemical difference between arginine and leucine.